The following is an entry in ClinVar:

NM_000218.3(KCNQ1):c.1514+37609G>A

Genes: KCNQ1 (potassium voltage-gated channel subfamily Q member 1; plus strand), KCNQ1OT1 (KCNQ1 opposite strand/antisense transcript 1; minus strand). Cytogenetic location: 11p15.5.
Variant type: single nucleotide variant.
Coding change: c.1514+37609G>A on transcript NM_000218.3 (MANE Select); 37609 bases into the intron after coding-DNA position 1514, G replaced by A.
Molecular consequence: intron variant.
Genome position (GRCh38, 1-based): chr11:2,699,690, G>A. VCF-style: chr11-2699690-G-A. GRCh37 (hg19) VCF-style: chr11-2720920-G-A.
Other names: c.1244+37609G>A (NM_001406837.1); c.1418+37609G>A (NM_001406836.1); c.974+37609G>A (NM_001406838.1); c.1133+37609G>A (NM_181798.2).
Identifiers: ClinVar variation 1879197 (VCV001879197.30), dbSNP rs138442776, ClinGen allele CA216198563.

ClinVar aggregate classification (germline): Benign/Likely benign. Review status: criteria provided, multiple submitters, no conflicts (2 of 4 stars). 2 submissions from 2 submitters: Benign (1); Likely benign (1). Last evaluated 2026-08-01.

Allele frequency attached by ClinVar (database versions not stated): 1000 Genomes Project 0.00180; gnomAD 0.00232; gnomAD exomes 0.00411.
gnomAD v4.1: 1,169 of 351,838 alleles (0.33%); highest among the groups gnomAD compares: Non-Finnish European, 0.5%; 1 homozygote.

Submissions (2):

CeGaT Center for Human Genetics Tuebingen
Classification: Benign. Last evaluated: 2026-08-01. Review status: criteria provided, single submitter. Criteria: CeGaT Center For Human Genetics Tuebingen Variant Classification Criteria Version 2. Collection method: clinical testing. Allele origin: germline. Affected: yes. Observed: 49 variant alleles.
Comment: KCNQ1OT1: BS1, BS2

Blueprint Genetics
Classification: Likely benign. Last evaluated: 2024-11-22. Review status: criteria provided, single submitter. Criteria: ACMG Guidelines, 2015. Collection method: clinical testing. Allele origin: germline.